The following is an entry in ClinVar:

ClinVar aggregate classification (germline): Conflicting classifications of pathogenicity. Review status: criteria provided, conflicting classifications (1 of 4 stars). 4 submissions from 4 submitters: Uncertain significance (1); Likely benign (2). 1 of the submissions does not count toward it. Last evaluated 2024-02-28.

Conditions:
UMPS-related disorder. Also called: UMPS-related condition.
Hereditary orotic aciduria, type 1. Also called: Orotic aciduria type 1; Oroticaciduria 1. Identifiers: MedGen C0268130.

Allele frequency attached by ClinVar (database versions not stated): 1000 Genomes Project 30x 0.00016; 1000 Genomes Project 0.00020; gnomAD 0.00053 and 0.00058; TOPMed 0.00066; ESP Exome Variant Server 0.00085.
gnomAD v4.1: 170 of 1,612,234 alleles (0.011%); highest among the groups gnomAD compares: African/African-American, 0.2%; no homozygotes.

Submissions (4):

Labcorp Genetics (formerly Invitae), Labcorp
Classification: Likely benign for Hereditary orotic aciduria, type 1. Last evaluated: 2024-02-28. Review status: criteria provided, single submitter. Criteria: Invitae Variant Classification Sherloc (09022015). Collection method: clinical testing. Allele origin: germline.

Blueprint Genetics
Classification: Likely benign. Last evaluated: 2023-08-18. Review status: criteria provided, single submitter. Criteria: ACMG Guidelines, 2015. Collection method: clinical testing. Allele origin: germline.

Eurofins Ntd Llc (ga)
Classification: Uncertain significance. Last evaluated: 2017-05-08. Review status: criteria provided, single submitter. Criteria: EGL Classification Definitions 2015. Collection method: clinical testing. Allele origin: germline. Observed: 1 variant allele, 1 heterozygote.

PreventionGenetics, part of Exact Sciences
Classification: Likely benign for UMPS-related condition. Last evaluated: 2019-06-02. Review status: no assertion criteria provided. Collection method: clinical testing. Allele origin: germline. Not counted in ClinVar's aggregate classification.
Comment: This variant is classified as likely benign based on ACMG/AMP sequence variant interpretation guidelines (Richards et al. 2015 PMID: 25741868, with internal and published modifications).

NM_000373.4(UMPS):c.126C>A (p.Gly42=)

Gene: UMPS (uridine monophosphate synthetase; plus strand). Cytogenetic location: 3q21.2.
Variant type: single nucleotide variant.
Coding change: c.126C>A on transcript NM_000373.4 (MANE Select); coding-DNA position 126, C replaced by A.
Protein change: p.Gly42=; no amino-acid change (glycine 42 retained).
Molecular consequence: synonymous variant. On other transcripts: non-coding transcript variant (2).
Genome position (GRCh38, 1-based): chr3:124,730,597, C>A. VCF-style: chr3-124730597-C-A. GRCh37 (hg19) VCF-style: chr3-124449444-C-A.
Identifiers: ClinVar variation 501885 (VCV000501885.14), dbSNP rs143828400, ClinGen allele CA2581575.